The following is an entry in ClinVar:

ClinVar aggregate classification (germline): Uncertain significance. Review status: criteria provided, multiple submitters, no conflicts (2 of 4 stars). 2 submissions from 2 submitters: Uncertain significance (2). Last evaluated 2024-03-12.

Conditions:
Danon disease. Also called: ANTOPOL DISEASE; PSEUDOGLYCOGENOSIS II; GSD IIb; LYSOSOMAL GLYCOGEN STORAGE DISEASE WITHOUT ACID MALTASE DEFICIENCY; Glycogen Storage Disease Type IIb. Identifiers: Orphanet 34587, MedGen C0878677, MONDO:0010281, OMIM 300257.

Submissions (2):

Labcorp Genetics (formerly Invitae), Labcorp
Classification: Uncertain significance for Danon disease. Last evaluated: 2024-03-12. Review status: criteria provided, single submitter. Criteria: Invitae Variant Classification Sherloc (09022015). Collection method: clinical testing. Allele origin: germline.
Comment: This sequence change replaces threonine, which is neutral and polar, with proline, which is neutral and non-polar, at codon 204 of the LAMP2 protein (p.Thr204Pro). This variant is not present in population databases (gnomAD no frequency). This variant has not been reported in the literature in individuals affected with LAMP2-related conditions. ClinVar contains an entry for this variant (Variation ID: 228787). Advanced modeling of protein sequence and biophysical properties (such as structural, functional, and spatial information, amino acid conservation, physicochemical variation, residue mobility, and thermodynamic stability) performed at Invitae indicates that this missense variant is not expected to disrupt LAMP2 protein function with a negative predictive value of 80%. In summary, the available evidence is currently insufficient to determine the role of this variant in disease. Therefore, it has been classified as a Variant of Uncertain Significance.

Laboratory for Molecular Medicine, Mass General Brigham Personalized Medicine
Classification: Uncertain significance. Last evaluated: 2015-07-16. Review status: criteria provided, single submitter. Criteria: LMM Criteria. Collection method: clinical testing. Allele origin: germline. Observed: 1 variant allele.
Comment: The p.Thr204Pro variant in LAMP2 has not been previously reported in individuals with cardiomyopathy or in large population studies. While computational predict ion tools and conservation analysis do not provide strong support for or against an impact to the protein, pathogenic missense variants in LAMP2 are exceedingly rare (nearly all the disease-causing variants cause a truncated or absent prote in). In summary, the clinical significance of the p.Thr204Pro variant is uncerta in.

NM_002294.3(LAMP2):c.610A>C (p.Thr204Pro)

Gene: LAMP2 (lysosome associated membrane protein 2; minus strand). Cytogenetic location: Xq24.
Variant type: single nucleotide variant.
Coding change: c.610A>C on transcript NM_002294.3 (MANE Select); coding-DNA position 610, A replaced by C.
Protein change: p.Thr204Pro; replaces threonine 204 with proline.
Molecular consequence: missense variant.
Genome position (GRCh38, 1-based): chrX:120,447,972, T>G on the plus strand (A>C on the coding strand, the complement: LAMP2 is on the minus strand). VCF-style: chrX-120447972-T-G. GRCh37 (hg19) VCF-style: chrX-119581827-T-G.
Other names: c.610A>C, p.Thr204Pro (NM_001122606.1, NM_013995.2); short protein forms T204P.
Identifiers: ClinVar variation 228787 (VCV000228787.6), dbSNP rs876657845, ClinGen allele CA10577156.